The following is an entry in ClinVar:

ClinVar aggregate classification (germline): Uncertain significance (1 of 4 stars; one submission).

Conditions:
Gamma-aminobutyric acid transaminase deficiency (GABATD). Also called: GABA transaminase deficiency; Gamma aminobutyrate transaminase deficiency; 4 alpha aminobutyrate transaminase deficiency; GABA aminotransaminase deficiency. Identifiers: Orphanet 2066, MedGen C0342708, MONDO:0013166, OMIM 613163.

Allele frequency attached by ClinVar (database versions not stated): TOPMed below 0.00001; gnomAD 0.00001.
gnomAD v4.1: 1 of 1,614,022 alleles (0.000062%); highest among the groups gnomAD compares: Non-Finnish European, 0.000085%; no homozygotes.

Submission:

Labcorp Genetics (formerly Invitae), Labcorp
Classification: Uncertain significance for Gamma-aminobutyric acid transaminase deficiency. Last evaluated: 2021-03-17. Review status: criteria provided, single submitter. Criteria: Invitae Variant Classification Sherloc (09022015). Collection method: clinical testing. Allele origin: germline.
Comment: This variant has not been reported in the literature in individuals with ABAT-related conditions. In summary, the available evidence is currently insufficient to determine the role of this variant in disease. Therefore, it has been classified as a Variant of Uncertain Significance. Algorithms developed to predict the effect of missense changes on protein structure and function are either unavailable or do not agree on the potential impact of this missense change (SIFT: "Deleterious"; PolyPhen-2: "Benign"; Align-GVGD: "Class C0"). This variant is not present in population databases (ExAC no frequency). This sequence change replaces serine with asparagine at codon 209 of the ABAT protein (p.Ser209Asn). The serine residue is highly conserved and there is a small physicochemical difference between serine and asparagine.

NM_020686.6(ABAT):c.626G>A (p.Ser209Asn)

Gene: ABAT (4-aminobutyrate aminotransferase; plus strand). Cytogenetic location: 16p13.2.
Variant type: single nucleotide variant.
Coding change: c.626G>A on transcript NM_020686.6 (MANE Select); coding-DNA position 626, G replaced by A.
Protein change: p.Ser209Asn; replaces serine 209 with asparagine.
Molecular consequence: missense variant.
Genome position (GRCh38, 1-based): chr16:8,768,215, G>A. VCF-style: chr16-8768215-G-A. GRCh37 (hg19) VCF-style: chr16-8862072-G-A.
Other names: c.626G>A, p.Ser209Asn (NM_000663.5, NM_001127448.2, NM_001386600.1 and 7 more transcripts); c.563G>A, p.Ser188Asn (NM_001386606.1, NM_001386607.1); c.533G>A, p.Ser178Asn (NM_001386608.1); c.491G>A, p.Ser164Asn (NM_001386610.1, NM_001386611.1); c.428G>A, p.Ser143Asn (NM_001386612.1, NM_001386613.1); c.380G>A, p.Ser127Asn (NM_001386614.1); c.722G>A, p.Ser241Asn (NM_001386615.1); short protein forms S178N, S188N, S209N, S164N, S143N, S241N, S127N.
Identifiers: ClinVar variation 1498460 (VCV001498460.8), dbSNP rs1457964207, ClinGen allele CA394688754.